The following is an entry in ClinVar:

NM_003072.5(SMARCA4):c.3129G>A (p.Arg1043=)

Gene: SMARCA4 (SWI/SNF related BAF chromatin remodeling complex subunit ATPase 4; plus strand). Cytogenetic location: 19p13.2.
Variant type: single nucleotide variant.
Coding change: c.3129G>A on transcript NM_003072.5 (MANE Select); coding-DNA position 3129, G replaced by A.
Protein change: p.Arg1043=; no amino-acid change (arginine 1043 retained).
Molecular consequence: synonymous variant. On other transcripts: non-coding transcript variant (1).
Genome position (GRCh38, 1-based): chr19:11,025,469, G>A. VCF-style: chr19-11025469-G-A. GRCh37 (hg19) VCF-style: chr19-11136145-G-A.
Other names: c.3129G>A, p.Arg1043= (NM_001128844.3, NM_001128845.2, NM_001128846.2 and 5 more transcripts).
Identifiers: ClinVar variation 1157257 (VCV001157257.10), dbSNP rs2146497594, ClinGen allele CA505490989.

ClinVar aggregate classification (germline): Benign/Likely benign. Review status: criteria provided, multiple submitters, no conflicts (2 of 4 stars). 2 submissions from 2 submitters: Benign (1); Likely benign (1). Last evaluated 2026-07-14.

Conditions:
Rhabdoid tumor predisposition syndrome 2 (RTPS2). Identifiers: Orphanet 231108, Orphanet 69077, MedGen C2750074, MONDO:0013224, OMIM 613325.

Submissions (2):

Myriad Genetics, Inc.
Classification: Benign for Rhabdoid tumor predisposition syndrome 2. Last evaluated: 2026-07-14. Review status: criteria provided, single submitter. Criteria: Myriad Autosomal Dominant, Autosomal Recessive and X-Linked Classification Criteria (2023). Collection method: clinical testing. Allele origin: unknown.
Comment: This variant is considered benign. This variant is a silent/synonymous amino acid change and it is not expected to impact splicing.

Labcorp Genetics (formerly Invitae), Labcorp
Classification: Likely benign for Rhabdoid tumor predisposition syndrome 2. Last evaluated: 2024-01-17. Review status: criteria provided, single submitter. Criteria: Invitae Variant Classification Sherloc (09022015). Collection method: clinical testing. Allele origin: germline.